The following is an entry in ClinVar:

ClinVar aggregate classification (germline): Likely benign. Review status: criteria provided, multiple submitters, no conflicts (2 of 4 stars). 6 submissions from 6 submitters: Likely benign (6). Last evaluated 2026-01-05.

Conditions:
Cardiovascular phenotype. Identifiers: MedGen CN230736.
Catecholaminergic polymorphic ventricular tachycardia (CVPT). Also called: Catecholamine-induced polymorphic ventricular tachycardia. Identifiers: Orphanet 3286, MedGen C5574922, MONDO:0017990.
Cardiomyopathy (CMYO). Also called: Cardiomyopathies. Identifiers: Orphanet 167848, MedGen C0878544, MONDO:0004994, HP:0001638. Inheritance: Various modes of inheritance.
Catecholaminergic polymorphic ventricular tachycardia 1. Also called: VENTRICULAR TACHYCARDIA, CATECHOLAMINERGIC POLYMORPHIC, 1, WITH OR WITHOUT ATRIAL DYSFUNCTION AND/OR DILATED CARDIOMYOPATHY; RYR2-Related Catecholaminergic Polymorphic Ventricular Tachycardia; VENTRICULAR TACHYCARDIA, STRESS-INDUCED POLYMORPHIC 1. Identifiers: Orphanet 3286, MedGen C1631597, MONDO:0011484, OMIM 604772.

Allele frequency attached by ClinVar (database versions not stated): gnomAD 0.00003; TOPMed 0.00005; ESP Exome Variant Server 0.00008.
gnomAD v4.1: 23 of 1,611,738 alleles (0.0014%); highest among the groups gnomAD compares: East Asian, 0.0089%; no homozygotes.

Submissions (6):

Labcorp Genetics (formerly Invitae), Labcorp
Classification: Likely benign for Catecholaminergic polymorphic ventricular tachycardia 1. Last evaluated: 2026-01-05. Review status: criteria provided, single submitter. Criteria: Invitae Variant Classification Sherloc (09022015). Collection method: clinical testing. Allele origin: germline.

CeGaT Center for Human Genetics Tuebingen
Classification: Likely benign. Last evaluated: 2024-05-01. Review status: criteria provided, single submitter. Criteria: CeGaT Center For Human Genetics Tuebingen Variant Classification Criteria Version 2. Collection method: clinical testing. Allele origin: germline. Affected: yes. Observed: 2 variant alleles.
Comment: RYR2: BP4, BP7

All of Us Research Program, National Institutes of Health
Classification: Likely benign for Catecholaminergic polymorphic ventricular tachycardia. Last evaluated: 2023-12-13. Review status: criteria provided, single submitter. Criteria: ACMG Guidelines, 2015. Collection method: clinical testing. Allele origin: germline. Inheritance: Autosomal dominant inheritance. Observed: 10 variant alleles, 10 heterozygotes.
Comment: This study involves interpretation of variants in research participants for the purpose of population health screening. Participant phenotype was not available at the time of variant classification. Additional details can be found in publication PMID: 35346344, PMCID: PMC8962531

Color Diagnostics, LLC DBA Color Health
Classification: Likely benign for Cardiomyopathy. Last evaluated: 2019-06-13. Review status: criteria provided, single submitter. Criteria: ACMG Guidelines, 2015. Collection method: clinical testing. Allele origin: germline.

Ambry Genetics
Classification: Likely benign for Cardiovascular phenotype. Last evaluated: 2016-11-21. Review status: criteria provided, single submitter. Criteria: Ambry Variant Classification Scheme 2023. Collection method: clinical testing. Allele origin: germline.

GeneDx
Classification: Likely benign. Last evaluated: 2016-06-06. Review status: criteria provided, single submitter. Criteria: GeneDx Variant Classification (06012015). Collection method: clinical testing. Allele origin: germline. Affected: yes.
Comment: This variant is considered likely benign or benign based on one or more of the following criteria: it is a conservative change, it occurs at a poorly conserved position in the protein, it is predicted to be benign by multiple in silico algorithms, and/or has population frequency not consistent with disease.

NM_001035.3(RYR2):c.1665C>T (p.Leu555=)

Gene: RYR2 (ryanodine receptor 2; plus strand). Cytogenetic location: 1q43.
Variant type: single nucleotide variant.
Coding change: c.1665C>T on transcript NM_001035.3 (MANE Select); coding-DNA position 1665, C replaced by T.
Protein change: p.Leu555=; no amino-acid change (leucine 555 retained).
Molecular consequence: synonymous variant.
Genome position (GRCh38, 1-based): chr1:237,469,144, C>T. VCF-style: chr1-237469144-C-T. GRCh37 (hg19) VCF-style: chr1-237632444-C-T.
Other names: c.1665C>T, p.Leu555= (LRG_402t1).
Identifiers: ClinVar variation 238225 (VCV000238225.42), dbSNP rs371262363, ClinGen allele CA085861.